The following is an entry in ClinVar:

NM_003764.4(STX11):c.327G>A (p.Glu109=)

Gene: STX11 (syntaxin 11; plus strand). Cytogenetic location: 6q24.2.
Variant type: single nucleotide variant.
Coding change: c.327G>A on transcript NM_003764.4 (MANE Select); coding-DNA position 327, G replaced by A.
Protein change: p.Glu109=; no amino-acid change (glutamic acid 109 retained).
Molecular consequence: synonymous variant.
Genome position (GRCh38, 1-based): chr6:144,186,954, G>A. VCF-style: chr6-144186954-G-A. GRCh37 (hg19) VCF-style: chr6-144508091-G-A.
Identifiers: ClinVar variation 2771718 (VCV002771718.5), dbSNP rs1802058064, ClinGen allele CA452731176.

ClinVar aggregate classification (germline): Likely benign. Review status: criteria provided, single submitter (1 of 4 stars). 2 submissions from 2 submitters: Likely benign (1). 1 of the submissions does not count toward it. Last evaluated 2023-10-25.

Conditions:
STX11-related disorder. Also called: STX11-related condition.
Familial hemophagocytic lymphohistiocytosis 4 (FHL4). Also called: STX11-Related Familial Hemophagocytic Lymphohistiocytosis (STX11-fHLH). Identifiers: Orphanet 540, MedGen C1863728, MONDO:0011336, OMIM 603552.

Submissions (2):

Labcorp Genetics (formerly Invitae), Labcorp
Classification: Likely benign for Familial hemophagocytic lymphohistiocytosis 4. Last evaluated: 2023-10-25. Review status: criteria provided, single submitter. Criteria: Invitae Variant Classification Sherloc (09022015). Collection method: clinical testing. Allele origin: germline.

PreventionGenetics, part of Exact Sciences
Classification: Likely benign for STX11-related condition. Last evaluated: 2023-12-20. Review status: no assertion criteria provided. Collection method: clinical testing. Allele origin: germline. Not counted in ClinVar's aggregate classification.
Comment: This variant is classified as likely benign based on ACMG/AMP sequence variant interpretation guidelines (Richards et al. 2015 PMID: 25741868, with internal and published modifications).